The following is an entry in ClinVar:

NM_194255.4(SLC19A1):c.1108G>A (p.Val370Met)

Gene: SLC19A1 (solute carrier family 19 member 1; minus strand). Cytogenetic location: 21q22.3.
Variant type: single nucleotide variant.
Coding change: c.1108G>A on transcript NM_194255.4 (MANE Select); coding-DNA position 1108, G replaced by A.
Protein change: p.Val370Met; replaces valine 370 with methionine.
Molecular consequence: missense variant.
Genome position (GRCh38, 1-based): chr21:45,530,813, C>T on the plus strand (G>A on the coding strand, the complement: SLC19A1 is on the minus strand). VCF-style: chr21-45530813-C-T. GRCh37 (hg19) VCF-style: chr21-46950727-C-T.
Other names: c.1108G>A, p.Val370Met (NM_001352512.2, NM_001205206.4, NM_001352511.3); c.988G>A, p.Val330Met (NM_001205207.3); c.754G>A, p.Val252Met (NM_001352510.2); short protein forms V330M, V370M, V252M.
Identifiers: ClinVar variation 1523043 (VCV001523043.5), dbSNP rs766096189, ClinGen allele CA10068425.

ClinVar aggregate classification (germline): Uncertain significance (1 of 4 stars; one submission).

Allele frequency attached by ClinVar (database versions not stated): gnomAD exomes 0.00002; gnomAD 0.00005 and 0.00006; TOPMed 0.00005; 1000 Genomes Project 30x 0.00016.

Submission:

Labcorp Genetics (formerly Invitae), Labcorp
Classification: Uncertain significance. Last evaluated: 2022-12-19. Review status: criteria provided, single submitter. Criteria: Invitae Variant Classification Sherloc (09022015). Collection method: clinical testing. Allele origin: germline.
Comment: This variant has not been reported in the literature in individuals affected with SLC19A1-related conditions. This sequence change replaces valine, which is neutral and non-polar, with methionine, which is neutral and non-polar, at codon 370 of the SLC19A1 protein (p.Val370Met). The frequency data for this variant in the population databases is considered unreliable, as metrics indicate poor data quality at this position in the gnomAD database. ClinVar contains an entry for this variant (Variation ID: 1523043). Algorithms developed to predict the effect of missense changes on protein structure and function are either unavailable or do not agree on the potential impact of this missense change (SIFT: "Deleterious"; PolyPhen-2: "Benign"; Align-GVGD: "Class C0"). In summary, the available evidence is currently insufficient to determine the role of this variant in disease. Therefore, it has been classified as a Variant of Uncertain Significance.